The following is an entry in ClinVar:

NM_032242.4(PLXNA1):c.3325G>T (p.Val1109Leu)

Gene: PLXNA1 (plexin A1; plus strand). Cytogenetic location: 3q21.3.
Variant type: single nucleotide variant.
Coding change: c.3325G>T on transcript NM_032242.4 (MANE Select); coding-DNA position 3325, G replaced by T.
Protein change: p.Val1109Leu; replaces valine 1109 with leucine.
Molecular consequence: missense variant.
Genome position (GRCh38, 1-based): chr3:127,017,473, G>T. VCF-style: chr3-127017473-G-T. GRCh37 (hg19) VCF-style: chr3-126736316-G-T.
Other names: short protein forms V1109L.
Identifiers: ClinVar variation 4985976 (VCV004985976.1).
Genomic context (GRCh38, chr3:127,017,473, plus strand): 5'-CTGTGTCTCCAGGGCTGCCTGGTGTACAATGACACCACCATGGTATGCCGCGCCCCGTCT[G>T]TGGCCAACCCTGTGCGCAGCCCACCAGAGCTGGGGGAGCGGCCGGATGAGCTGGGCTTCG-3'
Protein context (NP_115618.3, residues 1099-1119): DTTMVCRAPS[Val1109Leu]ANPVRSPPEL

ClinVar aggregate classification (germline): Uncertain significance (1 of 4 stars; one submission).

Conditions:
PLXNA1-related disorder. Also called: PLXNA1-related condition.

Submission:

PreventionGenetics, part of Exact Sciences
Classification: Uncertain significance for PLXNA1-related condition. Last evaluated: 2024-11-25. Review status: criteria provided, single submitter. Criteria: ACMG Guidelines, 2015. Collection method: clinical testing. Allele origin: germline.
Comment: The PLXNA1 c.3325G>T variant is predicted to result in the amino acid substitution p.Val1109Leu. To our knowledge, this variant has not been reported in the literature or in a large population database (gnomAD), indicating this variant is rare. At this time, the clinical significance of this variant is uncertain due to the absence of conclusive functional and genetic evidence.